The following is an entry in ClinVar:

NM_000384.3(APOB):c.2968G>A (p.Ala990Thr)

Gene: APOB (apolipoprotein B; minus strand). Cytogenetic location: 2p24.1.
Variant type: single nucleotide variant.
Coding change: c.2968G>A on transcript NM_000384.3 (MANE Select); coding-DNA position 2968, G replaced by A.
Protein change: p.Ala990Thr; replaces alanine 990 with threonine.
Molecular consequence: missense variant.
Genome position (GRCh38, 1-based): chr2:21,019,754, C>T on the plus strand (G>A on the coding strand, the complement: APOB is on the minus strand). VCF-style: chr2-21019754-C-T. GRCh37 (hg19) VCF-style: chr2-21242626-C-T.
Other names: short protein forms A990T.
Identifiers: ClinVar variation 431493 (VCV000431493.26), dbSNP rs139434026, ClinGen allele CA057625.

ClinVar aggregate classification (germline): Conflicting classifications of pathogenicity. Review status: criteria provided, conflicting classifications (1 of 4 stars). 9 submissions from 8 submitters: Uncertain significance (7); Likely benign (2). Last evaluated 2026-07-24.

Conditions:
Cardiovascular phenotype. Identifiers: MedGen CN230736.
Familial hypobetalipoproteinemia 1. Also called: APOB-Related Familial Hypobetalipoproteinemia; Hypobetalipoproteinemia, normotriglyceridemic; Acanthocytosis with hypobetalipoproteinemia. Identifiers: MedGen C4551990, MONDO:0014252, OMIM 615558.
Hypercholesterolemia, autosomal dominant, type B (FHCL2). Also called: Familial hypercholesterolemia 2; APOB-Related Familial Hypercholesterolemia, Autosomal Dominant; Familial Hypercholesterolemia Type B; Hyperlipoproteinemia Type IIb; APOLIPOPROTEIN B-100, FAMILIAL DEFECTIVE; APOLIPOPROTEIN B-100, FAMILIAL LIGAND-DEFECTIVE. Identifiers: MedGen C1704417, MONDO:0007751, OMIM 144010.
Hypercholesterolemia, familial, 1. Also called: HYPERCHOLESTEROLEMIA, FAMILIAL, MODIFIER OF; LDL RECEPTOR DISORDER; Hyperlipoproteinemia Type IIa; HYPER-LOW-DENSITY-LIPOPROTEINEMIA; HYPERCHOLESTEROLEMIC XANTHOMATOSIS, FAMILIAL; Fredrickson type IIa hyperlipoproteinemia. Identifiers: Orphanet 391665, MedGen C0745103, MONDO:0007750, OMIM 143890.

Allele frequency attached by ClinVar (database versions not stated): ExAC 0.00003; gnomAD exomes 0.00006; gnomAD 0.00003; ESP Exome Variant Server 0.00015.
gnomAD v4.1: 109 of 1,613,966 alleles (0.0068%); highest among the groups gnomAD compares: Non-Finnish European, 0.0073%; no homozygotes.

Submissions (9):

GeneDx
Classification: Uncertain significance. Last evaluated: 2026-07-24. Review status: criteria provided, single submitter. Criteria: GeneDx Variant Classification Process June 2021. Collection method: clinical testing. Allele origin: germline.
Comment: Has not been previously published as pathogenic or benign to our knowledge; In silico analysis supports that this missense variant has a deleterious effect on protein structure/function

Ambry Genetics
Classification: Uncertain significance for Cardiovascular phenotype. Last evaluated: 2025-12-10. Review status: criteria provided, single submitter. Criteria: Ambry Variant Classification Scheme 2023. Collection method: clinical testing. Allele origin: germline.
Comment: The p.A990T variant (also known as c.2968G>A), located in coding exon 19 of the APOB gene, results from a G to A substitution at nucleotide position 2968. The alanine at codon 990 is replaced by threonine, an amino acid with similar properties. This amino acid position is conserved. In addition, this alteration is predicted to be tolerated by in silico analysis. Since supporting evidence is limited at this time, the clinical significance of this alteration remains unclear.

Labcorp Genetics (formerly Invitae), Labcorp
Classification: Likely benign for Familial hypobetalipoproteinemia 1; Hypercholesterolemia, autosomal dominant, type B. Last evaluated: 2025-11-25. Review status: criteria provided, single submitter. Criteria: Invitae Variant Classification Sherloc (09022015). Collection method: clinical testing. Allele origin: germline.

Quest Diagnostics Nichols Institute San Juan Capistrano
Classification: Uncertain significance. Last evaluated: 2025-08-29. Review status: criteria provided, single submitter. Criteria: Quest Diagnostics criteria. Collection method: clinical testing. Allele origin: unknown.
Comment: The APOB c.2968G>A (p.Ala990Thr) variant has not been reported in individuals with APOB-related conditions in the published literature. The frequency of this variant in the general population (Genome Aggregation Database) is uninformative in the assessment of its pathogenicity. Analysis of this variant using bioinformatics tools for the prediction of the effect of amino acid changes on protein structure and function yielded conflicting predictions that this variant is benign or damaging. Based on the available information, we are unable to determine the clinical significance of this variant.

Molecular Diagnostic Laboratory for Inherited Cardiovascular Disease, Montreal Heart Institute
Classification: Uncertain significance for Cardiovascular phenotype. Last evaluated: 2025-04-09. Review status: criteria provided, single submitter. Criteria: ACMG Guidelines, 2015. Collection method: clinical testing. Allele origin: germline. Affected: yes.
Comment: PM2, BP4, BP5

Illumina Laboratory Services, Illumina
Classification: Uncertain significance for Hypercholesterolemia, autosomal dominant, type B. Last evaluated: 2018-01-12. Review status: criteria provided, single submitter. Criteria: ICSL Variant Classification Criteria 13 December 2019. Collection method: clinical testing. Allele origin: germline.

Illumina Laboratory Services, Illumina
Classification: Uncertain significance for Familial hypobetalipoproteinemia 1. Last evaluated: 2018-01-12. Review status: criteria provided, single submitter. Criteria: ICSL Variant Classification Criteria 13 December 2019. Collection method: clinical testing. Allele origin: germline.

Robarts Research Institute, Western University
Classification: Likely benign for Hypercholesterolemia, familial, 1. Last evaluated: 2018-01-02. Review status: criteria provided, single submitter. Criteria: ACMG Guidelines, 2015. Collection method: clinical testing. Allele origin: germline. Inheritance: Autosomal dominant inheritance. Affected: yes.

Laboratory of Genetics and Molecular Cardiology, University of São Paulo
Classification: Uncertain significance for Familial hypercholesterolemia. Last evaluated: 2016-03-01. Review status: criteria provided, single submitter. Criteria: ACMG Guidelines, 2015. Collection method: research. Allele origin: germline. Study: HipercolBrasil.